The following is an entry in ClinVar:

NM_001080414.4(CCDC88C):c.148del (p.Ile50fs)

Gene: CCDC88C (coiled-coil and HOOK domain protein 88C; minus strand). Cytogenetic location: 14q32.12.
Variant type: Deletion.
Coding change: c.148del on transcript NM_001080414.4 (MANE Select); coding-DNA position 148, one base deleted (A; older notation c.148delA).
Protein change: p.Ile50fs; shifts the reading frame from isoleucine 50.
Molecular consequence: frameshift variant. On other transcripts: non-coding transcript variant (2).
Genome position (GRCh38, 1-based): chr14:91,416,751, T deleted on the plus strand (A on the coding strand, the reverse complement: CCDC88C is on the minus strand); the first of 3 consecutive T bases (chr14:91,416,751-91,416,753); deleting any one gives the same sequence. VCF-style (leftmost placement, unchanged base first): chr14-91416750-AT-A. GRCh37 (hg19) VCF-style: chr14-91883094-AT-A.
Other names: short protein forms I50fs.
Identifiers: ClinVar variation 5014627 (VCV005014627.1).

ClinVar aggregate classification (germline): Pathogenic (1 of 4 stars; one submission).

Conditions:
Hydrocephalus, nonsyndromic, autosomal recessive 1 (HYC1). Also called: Hydrocephalus, nonsyndromic, autosomal recessive; Congenital hydrocephalus 1. Identifiers: Orphanet 2185, MedGen C3887608, MONDO:0009360, OMIM 236600.

Submission:

Myriad Genetics, Inc.
Classification: Pathogenic for Hydrocephalus, nonsyndromic, autosomal recessive 1. Last evaluated: 2025-06-22. Review status: criteria provided, single submitter. Criteria: Myriad Autosomal Dominant, Autosomal Recessive and X-Linked Classification Criteria (2023). Collection method: clinical testing. Allele origin: unknown.
Comment: NM_001080414.3(CCDC88C):c.148delA(I50Lfs*5) is expected to be pathogenic in the context of congenital hydrocephalus, CCDC88C-related. This variant is predicted to lead to an abnormal or absent protein product due to the creation of a premature termination codon in CCDC88C, a gene where loss-of-function variants are known to be pathogenic. Please note: this variant was assessed in the context of healthy population screening.